The following is an entry in ClinVar:

ClinVar aggregate classification (germline): Uncertain significance (1 of 4 stars; one submission).

Conditions:
Ataxia-telangiectasia syndrome (AT). Also called: ATAXIA-TELANGIECTASIA, COMPLEMENTATION GROUP A; ATAXIA-TELANGIECTASIA, FRESNO VARIANT; Ataxia-telangiectasia; Ataxia-telangiectasia, complementation group E; LOUIS-BAR SYNDROME; Cerebello-oculocutaneous telangiectasia. Identifiers: Orphanet 100, MedGen C0004135, MONDO:0008840, OMIM 208900.

Submission:

Labcorp Genetics (formerly Invitae), Labcorp
Classification: Uncertain significance for Ataxia-telangiectasia syndrome. Last evaluated: 2022-01-06. Review status: criteria provided, single submitter. Criteria: Invitae Variant Classification Sherloc (09022015). Collection method: clinical testing. Allele origin: germline.
Comment: This sequence change replaces glutamic acid, which is acidic and polar, with aspartic acid, which is acidic and polar, at codon 2295 of the ATM protein (p.Glu2295Asp). This variant is not present in population databases (gnomAD no frequency). This variant has not been reported in the literature in individuals affected with ATM-related conditions. Advanced modeling of protein sequence and biophysical properties (such as structural, functional, and spatial information, amino acid conservation, physicochemical variation, residue mobility, and thermodynamic stability) performed at Invitae indicates that this missense variant is not expected to disrupt ATM protein function. In summary, the available evidence is currently insufficient to determine the role of this variant in disease. Therefore, it has been classified as a Variant of Uncertain Significance.

NM_000051.4(ATM):c.6885A>C (p.Glu2295Asp)

Genes: ATM (ATM serine/threonine kinase; plus strand), C11orf65 (chromosome 11 open reading frame 65; minus strand). Cytogenetic location: 11q22.3.
Variant type: single nucleotide variant.
Coding change: c.6885A>C on transcript NM_000051.4 (MANE Select); coding-DNA position 6885, A replaced by C.
Protein change: p.Glu2295Asp; replaces glutamic acid 2295 with aspartic acid.
Molecular consequence: missense variant. On other transcripts: intron variant (2).
Genome position (GRCh38, 1-based): chr11:108,326,135, A>C. VCF-style: chr11-108326135-A-C. GRCh37 (hg19) VCF-style: chr11-108196862-A-C.
Other names: c.6885A>C, p.Glu2295Asp (NM_001351834.2); c.641-17064T>G (NM_001330368.2); c.*38+9085T>G (NM_001351110.2); short protein forms E2295D.
Identifiers: ClinVar variation 2076107 (VCV002076107.1), dbSNP rs748221367, ClinGen allele CA382556845.